The following is an entry in ClinVar:

NM_020921.4(NIN):c.5633G>A (p.Arg1878His)

Gene: NIN (ninein; minus strand). Cytogenetic location: 14q22.1.
Variant type: single nucleotide variant.
Coding change: c.5633G>A on transcript NM_020921.4 (MANE Select); coding-DNA position 5633, G replaced by A.
Protein change: p.Arg1878His; replaces arginine 1878 with histidine.
Molecular consequence: missense variant.
Genome position (GRCh38, 1-based): chr14:50,738,282, C>T on the plus strand (G>A on the coding strand, the complement: NIN is on the minus strand). VCF-style: chr14-50738282-C-T. GRCh37 (hg19) VCF-style: chr14-51205000-C-T.
Other names: c.3494G>A, p.Arg1165His (NM_016350.5); c.5633G>A, p.Arg1878His (NM_182944.3, NM_182946.2); c.5633G>A (NM_020921.3); short protein forms R1165H, R1878H.
Identifiers: ClinVar variation 2177570 (VCV002177570.5), dbSNP rs74051903, ClinGen allele CA7181191.

ClinVar aggregate classification (germline): Uncertain significance. Review status: criteria provided, multiple submitters, no conflicts (2 of 4 stars). 2 submissions from 2 submitters: Uncertain significance (2). Last evaluated 2026-02-03.

Allele frequency attached by ClinVar (database versions not stated): ExAC 0.00002; gnomAD exomes 0.00003; gnomAD 0.00005; TOPMed 0.00006; ESP Exome Variant Server 0.00008; 1000 Genomes Project 0.00020; 1000 Genomes Project 30x 0.00031.

Submissions (2):

Labcorp Genetics (formerly Invitae), Labcorp
Classification: Uncertain significance. Last evaluated: 2026-02-03. Review status: criteria provided, single submitter. Criteria: Invitae Variant Classification Sherloc (09022015). Collection method: clinical testing. Allele origin: germline.
Comment: This sequence change replaces arginine, which is basic and polar, with histidine, which is basic and polar, at codon 1878 of the NIN protein (p.Arg1878His). The frequency data for this variant in the population databases is considered unreliable, as metrics indicate poor data quality at this position in the gnomAD database. This variant has not been reported in the literature in individuals affected with NIN-related conditions. ClinVar contains an entry for this variant (Variation ID: 2177570). An algorithm developed to predict the effect of missense changes on protein structure and function outputs the following: PolyPhen-2: "Benign". The histidine amino acid residue is found in multiple mammalian species, which suggests that this missense change does not adversely affect protein function. In summary, the available evidence is currently insufficient to determine the role of this variant in disease. Therefore, it has been classified as a Variant of Uncertain Significance.

Ambry Genetics
Classification: Uncertain significance. Last evaluated: 2023-10-02. Review status: criteria provided, single submitter. Criteria: Ambry Variant Classification Scheme 2023. Collection method: clinical testing. Allele origin: germline.